The following is an entry in ClinVar:

NM_031935.3(HMCN1):c.12730G>A (p.Ala4244Thr)

Gene: HMCN1 (hemicentin 1; plus strand). Cytogenetic location: 1q31.1.
Variant type: single nucleotide variant.
Coding change: c.12730G>A on transcript NM_031935.3 (MANE Select); coding-DNA position 12730, G replaced by A.
Protein change: p.Ala4244Thr; replaces alanine 4244 with threonine.
Molecular consequence: missense variant.
Genome position (GRCh38, 1-based): chr1:186,128,117, G>A. VCF-style: chr1-186128117-G-A. GRCh37 (hg19) VCF-style: chr1-186097249-G-A.
Other names: c.12730G>A (NM_031935.2); short protein forms A4244T.
Identifiers: ClinVar variation 1912273 (VCV001912273.6), dbSNP rs199754426, ClinGen allele CA1294454.

ClinVar aggregate classification (germline): Uncertain significance. Review status: criteria provided, multiple submitters, no conflicts (2 of 4 stars). 2 submissions from 2 submitters: Uncertain significance (2). Last evaluated 2024-09-16.

Allele frequency attached by ClinVar (database versions not stated): ExAC 0.00001; gnomAD 0.00001; TOPMed 0.00001; gnomAD exomes 0.00003.
gnomAD v4.1: 49 of 1,613,420 alleles (0.003%); highest among the groups gnomAD compares: Non-Finnish European, 0.004%; no homozygotes.

Submissions (2):

Labcorp Genetics (formerly Invitae), Labcorp
Classification: Uncertain significance. Last evaluated: 2024-09-16. Review status: criteria provided, single submitter. Criteria: Invitae Variant Classification Sherloc (09022015). Collection method: clinical testing. Allele origin: germline.
Comment: This sequence change replaces alanine, which is neutral and non-polar, with threonine, which is neutral and polar, at codon 4244 of the HMCN1 protein (p.Ala4244Thr). This variant is present in population databases (rs199754426, gnomAD 0.004%). This variant has not been reported in the literature in individuals affected with HMCN1-related conditions. ClinVar contains an entry for this variant (Variation ID: 1912273). An algorithm developed to predict the effect of missense changes on protein structure and function outputs the following: PolyPhen-2: "Benign". The threonine amino acid residue is found in multiple mammalian species, which suggests that this missense change does not adversely affect protein function. In summary, the available evidence is currently insufficient to determine the role of this variant in disease. Therefore, it has been classified as a Variant of Uncertain Significance.

Ambry Genetics
Classification: Uncertain significance. Last evaluated: 2022-10-04. Review status: criteria provided, single submitter. Criteria: Ambry Variant Classification Scheme 2023. Collection method: clinical testing. Allele origin: germline.